The following is an entry in ClinVar:

NM_001256715.2(DNAAF3):c.72C>A (p.Asp24Glu)

Genes: DNAAF3 (dynein axonemal assembly factor 3; minus strand), DNAAF3-AS1 (DNAAF3 antisense RNA 1; plus strand). Cytogenetic location: 19q13.42.
Variant type: single nucleotide variant.
Coding change: c.72C>A on transcript NM_001256715.2 (MANE Select); coding-DNA position 72, C replaced by A.
Protein change: p.Asp24Glu; replaces aspartic acid 24 with glutamic acid.
Molecular consequence: missense variant. On other transcripts: 5 prime UTR variant (1).
Genome position (GRCh38, 1-based): chr19:55,166,342, G>T on the plus strand (C>A on the coding strand, the complement: DNAAF3 is on the minus strand). VCF-style: chr19-55166342-G-T. GRCh37 (hg19) VCF-style: chr19-55677710-G-T.
Other names: c.-167C>A (NM_001256716.2); c.213C>A, p.Asp71Glu (NM_178837.4, NM_001256714.1); short protein forms D71E, D24E.
Identifiers: ClinVar variation 410293 (VCV000410293.5), dbSNP rs200866175, ClinGen allele CA9668265.

ClinVar aggregate classification (germline): Uncertain significance. Review status: criteria provided, multiple submitters, no conflicts (2 of 4 stars). 2 submissions from 2 submitters: Uncertain significance (2). Last evaluated 2021-11-16.

Conditions:
Primary ciliary dyskinesia. Also called: Ciliary dyskinesia. Identifiers: Orphanet 244, MedGen C0008780, MONDO:0016575, HP:0012265.

Allele frequency attached by ClinVar (database versions not stated): gnomAD 0.00003 and 0.00004; TOPMed 0.00003; gnomAD exomes 0.00008 and 0.00020; ExAC 0.00014.

Submissions (2):

Labcorp Genetics (formerly Invitae), Labcorp
Classification: Uncertain significance for Primary ciliary dyskinesia. Last evaluated: 2021-11-16. Review status: criteria provided, single submitter. Criteria: Invitae Variant Classification Sherloc (09022015). Collection method: clinical testing. Allele origin: germline.
Comment: This sequence change replaces aspartic acid, which is acidic and polar, with glutamic acid, which is acidic and polar, at codon 71 of the DNAAF3 protein (p.Asp71Glu). This variant is present in population databases (rs200866175, gnomAD 0.01%). This variant has not been reported in the literature in individuals affected with DNAAF3-related conditions. ClinVar contains an entry for this variant (Variation ID: 410293). Algorithms developed to predict the effect of missense changes on protein structure and function are either unavailable or do not agree on the potential impact of this missense change (SIFT: "Deleterious"; PolyPhen-2: "Probably Damaging"; Align-GVGD: "Class C0"). In summary, the available evidence is currently insufficient to determine the role of this variant in disease. Therefore, it has been classified as a Variant of Uncertain Significance.

Ambry Genetics
Classification: Uncertain significance for Primary ciliary dyskinesia. Last evaluated: 2021-07-09. Review status: criteria provided, single submitter. Criteria: Ambry Variant Classification Scheme 2023. Collection method: clinical testing. Allele origin: germline.